The following is an entry in ClinVar:

ClinVar aggregate classification (germline): Uncertain significance (1 of 4 stars; one submission).

gnomAD v4.1: 2 of 1,614,086 alleles (0.00012%); highest among the groups gnomAD compares: Non-Finnish European, 0.00017%; no homozygotes.

Submission:

GeneDx
Classification: Uncertain significance. Last evaluated: 2024-07-17. Review status: criteria provided, single submitter. Criteria: GeneDx Variant Classification Process June 2021. Collection method: clinical testing. Allele origin: germline. Affected: yes.
Comment: Not observed at significant frequency in large population cohorts (gnomAD); In silico analysis indicates that this missense variant does not alter protein structure/function; Has not been previously published as pathogenic or benign to our knowledge

NM_004380.3(CREBBP):c.355G>A (p.Gly119Ser)

Gene: CREBBP (CREB binding protein; minus strand). Cytogenetic location: 16p13.3.
Variant type: single nucleotide variant.
Coding change: c.355G>A on transcript NM_004380.3 (MANE Select); coding-DNA position 355, G replaced by A.
Protein change: p.Gly119Ser; replaces glycine 119 with serine.
Molecular consequence: missense variant.
Genome position (GRCh38, 1-based): chr16:3,850,740, C>T on the plus strand (G>A on the coding strand, the complement: CREBBP is on the minus strand). VCF-style: chr16-3850740-C-T. GRCh37 (hg19) VCF-style: chr16-3900741-C-T.
Other names: c.355G>A, p.Gly119Ser (NM_001079846.1); short protein forms G119S.
Identifiers: ClinVar variation 3573843 (VCV003573843.1).
Genomic context (GRCh38, chr16:3,850,740, plus strand): 5'-TGGCTGCCTGTTTAGGCAGGCTGGGGGCTGAAGAATCTCCCTGGCTCAGAGGGCTCTTGC[C>T]CATGGCACTGAGGCTGGCCATGTTAGCACTGTTCGGCTGCCCTTGAGCCTGGCCACCCAG-3'
Protein context (NP_004371.2, residues 109-129): SANMASLSAM[Gly119Ser]KSPLSQGDSS